The following is an entry in ClinVar:

ClinVar aggregate classification (germline): Uncertain significance. Review status: criteria provided, multiple submitters, no conflicts (2 of 4 stars). 2 submissions from 2 submitters: Uncertain significance (2). Last evaluated 2024-03-09.

Conditions:
Hereditary cancer-predisposing syndrome. Also called: Neoplastic Syndromes, Hereditary; Tumor predisposition; Hereditary Cancer Syndrome; Hereditary neoplastic syndrome. Identifiers: Orphanet 140162, MedGen C0027672, MeSH D009386, MONDO:0015356.
Gorlin syndrome. Also called: Nevoid Basal Cell Carcinoma Syndrome; Basal cell nevus syndrome. Identifiers: Orphanet 377, MedGen C0004779, MONDO:0007187.

Allele frequency attached by ClinVar (database versions not stated): gnomAD exomes below 0.00001; ExAC 0.00001.
gnomAD v4.1: 3 of 1,599,044 alleles (0.00019%); highest among the groups gnomAD compares: African/African-American, 0.0013%; no homozygotes.

Submissions (2):

Ambry Genetics
Classification: Uncertain significance for Hereditary cancer-predisposing syndrome. Last evaluated: 2024-03-09. Review status: criteria provided, single submitter. Criteria: Ambry Variant Classification Scheme 2023. Collection method: clinical testing. Allele origin: germline.
Comment: The p.H1277R variant (also known as c.3830A>G), located in coding exon 23 of the PTCH1 gene, results from an A to G substitution at nucleotide position 3830. The histidine at codon 1277 is replaced by arginine, an amino acid with highly similar properties. This amino acid position is conserved. In addition, this alteration is predicted to be tolerated by in silico analysis. Based on the available evidence, the clinical significance of this alteration remains unclear.

Labcorp Genetics (formerly Invitae), Labcorp
Classification: Uncertain significance for Gorlin syndrome. Last evaluated: 2019-12-11. Review status: criteria provided, single submitter. Criteria: Invitae Variant Classification Sherloc (09022015). Collection method: clinical testing. Allele origin: germline.
Comment: This sequence change replaces histidine with arginine at codon 1277 of the PTCH1 protein (p.His1277Arg). The histidine residue is weakly conserved and there is a small physicochemical difference between histidine and arginine. In summary, the available evidence is currently insufficient to determine the role of this variant in disease. Therefore, it has been classified as a Variant of Uncertain Significance. Algorithms developed to predict the effect of missense changes on protein structure and function (SIFT, PolyPhen-2, Align-GVGD) all suggest that this variant is likely to be tolerated, but these predictions have not been confirmed by published functional studies and their clinical significance is uncertain. This variant has not been reported in the literature in individuals with PTCH1-related disease. The frequency data for this variant in the population databases is considered unreliable, as metrics indicate poor data quality at this position in the ExAC database.

NM_000264.5(PTCH1):c.3830A>G (p.His1277Arg)

Gene: PTCH1 (patched 1; minus strand). Cytogenetic location: 9q22.32.
Variant type: single nucleotide variant.
Coding change: c.3830A>G on transcript NM_000264.5 (MANE Select); coding-DNA position 3830, A replaced by G.
Protein change: p.His1277Arg; replaces histidine 1277 with arginine.
Molecular consequence: missense variant. On other transcripts: non-coding transcript variant (1).
Genome position (GRCh38, 1-based): chr9:95,447,426, T>C on the plus strand (A>G on the coding strand, the complement: PTCH1 is on the minus strand). VCF-style: chr9-95447426-T-C. GRCh37 (hg19) VCF-style: chr9-98209708-T-C.
Other names: c.3632A>G, p.His1211Arg (NM_001083602.3); c.3827A>G, p.His1276Arg (NM_001083603.3); c.3377A>G, p.His1126Arg (NM_001083604.3, NM_001083605.3, NM_001083606.3 and 1 more transcripts); c.3674A>G, p.His1225Arg (NM_001354918.2); short protein forms H1211R, H1277R, H1225R, H1276R, H1126R.
Identifiers: ClinVar variation 524574 (VCV000524574.12), dbSNP rs755092661, ClinGen allele CA5138028.